The following is an entry in ClinVar:

NM_006206.6(PDGFRA):c.746dup (p.Tyr249Ter)

Gene: PDGFRA (platelet derived growth factor receptor alpha; plus strand). Cytogenetic location: 4q12.
Variant type: Duplication.
Coding change: c.746dup on transcript NM_006206.6 (MANE Select); coding-DNA position 746, one base duplicated (A; older notation c.746dupA).
Protein change: p.Tyr249Ter; replaces tyrosine 249 with a stop codon.
Molecular consequence: nonsense.
Genome position (GRCh38, 1-based): chr4:54,265,036, A duplicated. VCF-style (leftmost placement, unchanged base first): chr4-54265035-T-TA. GRCh37 (hg19) VCF-style: chr4-55131202-T-TA.
Other names: c.746dup, p.Tyr249Ter (NM_001347827.2, NM_001347829.2); c.821dup, p.Tyr274Ter (NM_001347828.2); c.785dup, p.Tyr262Ter (NM_001347830.2); short protein forms Y274*, Y249*, Y262*.
Identifiers: ClinVar variation 4721101 (VCV004721101.1).

ClinVar aggregate classification (germline): Uncertain significance (1 of 4 stars; one submission).

Conditions:
Gastrointestinal stromal tumor. Also called: Gastrointestinal stromal tumor, somatic; Gastrointestinal stroma tumor. Identifiers: Orphanet 44890, MedGen C0238198, MeSH D046152, MONDO:0011719, OMIM 606764, HP:0100723.

Submission:

Labcorp Genetics (formerly Invitae), Labcorp
Classification: Uncertain significance for Gastrointestinal stromal tumor. Last evaluated: 2025-06-10. Review status: criteria provided, single submitter. Criteria: Invitae Variant Classification Sherloc (09022015). Collection method: clinical testing. Allele origin: germline.
Comment: This sequence change creates a premature translational stop signal (p.Tyr249*) in the PDGFRA gene. It is expected to result in an absent or disrupted protein product. However, the current clinical and genetic evidence is not sufficient to establish whether loss-of-function variants in PDGFRA cause disease. This variant is not present in population databases (gnomAD no frequency). This variant has not been reported in the literature in individuals affected with PDGFRA-related conditions. Algorithms developed to predict the effect of sequence changes on RNA splicing suggest that this variant may disrupt the consensus splice site. In summary, the available evidence is currently insufficient to determine the role of this variant in disease. Therefore, it has been classified as a Variant of Uncertain Significance.